The following is an entry in ClinVar:

NM_001267550.2(TTN):c.53712T>G (p.His17904Gln)

Genes: TTN (titin; minus strand), TTN-AS1 (TTN antisense RNA 1; plus strand). Cytogenetic location: 2q31.2.
Variant type: single nucleotide variant.
Coding change: c.53712T>G on transcript NM_001267550.2 (MANE Select); coding-DNA position 53712, T replaced by G.
Protein change: p.His17904Gln; replaces histidine 17904 with glutamine.
Molecular consequence: missense variant.
Genome position (GRCh38, 1-based): chr2:178,605,583, A>C on the plus strand (T>G on the coding strand, the complement: TTN is on the minus strand). VCF-style: chr2-178605583-A-C. GRCh37 (hg19) VCF-style: chr2-179470310-A-C.
Other names: c.48789T>G, p.His16263Gln (NM_001256850.1); c.26517T>G, p.His8839Gln (NM_003319.4); c.46008T>G, p.His15336Gln (NM_133378.4); c.26892T>G, p.His8964Gln (NM_133432.3); c.27093T>G, p.His9031Gln (NM_133437.4); short protein forms H15336Q, H16263Q, H17904Q, H8839Q, H8964Q, H9031Q.
Identifiers: ClinVar variation 2651632 (VCV002651632.24), dbSNP rs2054588188, ClinGen allele CA349561527.

ClinVar aggregate classification (germline): Uncertain significance (1 of 4 stars; one submission).

Allele frequency attached by ClinVar (database versions not stated): TOPMed below 0.00001.
gnomAD v4.1: 1 of 1,612,356 alleles (0.000062%); no homozygotes.

Submission:

CeGaT Center for Human Genetics Tuebingen
Classification: Uncertain significance. Last evaluated: 2023-07-01. Review status: criteria provided, single submitter. Criteria: CeGaT Center For Human Genetics Tuebingen Variant Classification Criteria Version 2. Collection method: clinical testing. Allele origin: germline. Affected: yes. Observed: 1 variant allele.
Comment: TTN: PM2, BP4